The following is an entry in ClinVar:

ClinVar aggregate classification (germline): Uncertain significance (1 of 4 stars; one submission).

Conditions:
Hereditary spastic paraplegia 30. Identifiers: Orphanet 101010, MedGen C5235139, MONDO:0012476.
Neuropathy, hereditary sensory, type 2C. Also called: Hereditary sensory and autonomic neuropathy type IIC; KIF1A-Related HSAN2 (HSAN2C). Identifiers: Orphanet 970, MedGen C3280168, MONDO:0013634, OMIM 614213.
Intellectual disability, autosomal dominant 9 (NESCAVS). Also called: NESCAV SYNDROME; KIF1A-Related Neurodevelopmental Disorder. Identifiers: Orphanet 662367, MedGen C5393830, MONDO:0013656, OMIM 614255.

Submission:

Labcorp Genetics (formerly Invitae), Labcorp
Classification: Uncertain significance for Hereditary spastic paraplegia 30; Neuropathy, hereditary sensory, type 2C; Intellectual disability, autosomal dominant 9. Last evaluated: 2022-08-26. Review status: criteria provided, single submitter. Criteria: Invitae Variant Classification Sherloc (09022015). Collection method: clinical testing. Allele origin: germline.
Comment: This sequence change replaces phenylalanine, which is neutral and non-polar, with leucine, which is neutral and non-polar, at codon 844 of the KIF1A protein (p.Phe844Leu). This variant is not present in population databases (gnomAD no frequency). This variant has not been reported in the literature in individuals affected with KIF1A-related conditions. Advanced modeling of protein sequence and biophysical properties (such as structural, functional, and spatial information, amino acid conservation, physicochemical variation, residue mobility, and thermodynamic stability) performed at Invitae indicates that this missense variant is not expected to disrupt KIF1A protein function. In summary, the available evidence is currently insufficient to determine the role of this variant in disease. Therefore, it has been classified as a Variant of Uncertain Significance.

NM_001244008.2(KIF1A):c.2557T>C (p.Phe853Leu)

Gene: KIF1A (kinesin family member 1A; minus strand). Cytogenetic location: 2q37.3.
Variant type: single nucleotide variant.
Coding change: c.2557T>C on transcript NM_001244008.2 (MANE Select); coding-DNA position 2557, T replaced by C.
Protein change: p.Phe853Leu; replaces phenylalanine 853 with leucine.
Molecular consequence: missense variant.
Genome position (GRCh38, 1-based): chr2:240,758,385, A>G on the plus strand (T>C on the coding strand, the complement: KIF1A is on the minus strand). VCF-style: chr2-240758385-A-G. GRCh37 (hg19) VCF-style: chr2-241697802-A-G.
Other names: c.2557T>C, p.Phe853Leu (NM_001320705.2, NM_001330289.2, NM_001379638.1); c.2632T>C, p.Phe878Leu (NM_001330290.2, NM_001379631.1, NM_001379634.1 and 2 more transcripts); c.2530T>C, p.Phe844Leu (NM_001379632.1, NM_001379633.1, NM_001379636.1 and 11 more transcripts); c.2605T>C, p.Phe869Leu (NM_001379637.1, NM_001379648.1); short protein forms F844L, F853L, F869L, F878L.
Identifiers: ClinVar variation 1717982 (VCV001717982.6), dbSNP rs2537535591, ClinGen allele CA351323450.
Genomic context (GRCh38, chr2:240,758,385, plus strand): 5'-CTCTCTCTCTGCCAAGGAAGGGAGGAGGCGCCCACCTGCCCACCAGCCGGAACCAGGGGA[A>G]GCGGTCATAGAAGGGGTCTCCGCCGGTCACCACGTTGTCACAGTCCTCGATGACACTGGA-3'
Protein context (NP_001230937.1, residues 843-863): VTGGDPFYDR[Phe853Leu]PWFRLVGSSA